The following is an entry in ClinVar:

ClinVar aggregate classification (germline): Uncertain significance (1 of 4 stars; one submission).

gnomAD v4.1: 1 of 1,585,654 alleles (0.000063%); highest among the groups gnomAD compares: Non-Finnish European, 0.000085%; no homozygotes.

Submission:

Labcorp Genetics (formerly Invitae), Labcorp
Classification: Uncertain significance. Last evaluated: 2022-07-26. Review status: criteria provided, single submitter. Criteria: Invitae Variant Classification Sherloc (09022015). Collection method: clinical testing. Allele origin: germline.
Comment: In summary, the available evidence is currently insufficient to determine the role of this variant in disease. Therefore, it has been classified as a Variant of Uncertain Significance. Algorithms developed to predict the effect of missense changes on protein structure and function are either unavailable or do not agree on the potential impact of this missense change (SIFT: "Tolerated"; PolyPhen-2: "Probably Damaging"; Align-GVGD: "Class C0"). This variant has not been reported in the literature in individuals affected with CEP78-related conditions. This variant is not present in population databases (gnomAD no frequency). This sequence change replaces leucine, which is neutral and non-polar, with phenylalanine, which is neutral and non-polar, at codon 112 of the CEP78 protein (p.Leu112Phe).

NM_001330691.3(CEP78):c.334C>T (p.Leu112Phe)

Gene: CEP78 (centrosomal protein 78; plus strand). Cytogenetic location: 9q21.2.
Variant type: single nucleotide variant.
Coding change: c.334C>T on transcript NM_001330691.3 (MANE Select); coding-DNA position 334, C replaced by T.
Protein change: p.Leu112Phe; replaces leucine 112 with phenylalanine.
Molecular consequence: missense variant.
Genome position (GRCh38, 1-based): chr9:78,240,103, C>T. VCF-style: chr9-78240103-C-T. GRCh37 (hg19) VCF-style: chr9-80855019-C-T.
Other names: c.334C>T, p.Leu112Phe (NM_001098802.3, NM_001330693.3, NM_001330694.2 and 4 more transcripts); short protein forms L112F.
Identifiers: ClinVar variation 1931930 (VCV001931930.5), dbSNP rs778874630, ClinGen allele CA373999763.